The following is an entry in ClinVar:

NM_001370259.2(MEN1):c.815A>G (p.His272Arg)

Gene: MEN1 (menin 1; minus strand). Cytogenetic location: 11q13.1.
Variant type: single nucleotide variant.
Coding change: c.815A>G on transcript NM_001370259.2 (MANE Select); coding-DNA position 815, A replaced by G.
Protein change: p.His272Arg; replaces histidine 272 with arginine.
Molecular consequence: missense variant.
Genome position (GRCh38, 1-based): chr11:64,807,188, T>C on the plus strand (A>G on the coding strand, the complement: MEN1 is on the minus strand). VCF-style: chr11-64807188-T-C. GRCh37 (hg19) VCF-style: chr11-64574660-T-C.
Other names: c.830A>G, p.His277Arg (NM_000244.4, NM_001407145.1, NM_001407150.1 and 5 more transcripts); c.815A>G, p.His272Arg (NM_001370251.2, NM_001370260.2, NM_001370261.2 and 7 more transcripts); c.710A>G, p.His237Arg (NM_001370262.2, NM_001370263.2, NM_001407148.1 and 2 more transcripts); short protein forms H277R, H272R, H237R.
Identifiers: ClinVar variation 2015649 (VCV002015649.4), dbSNP rs2136133111, ClinGen allele CA381183910.

ClinVar aggregate classification (germline): Uncertain significance (1 of 4 stars; one submission).

Conditions:
Multiple endocrine neoplasia, type 1 (MEN1). Also called: Endocrine adenomatosis multiple; MEN 1; MEA I; MEN I; WERMER SYNDROME. Identifiers: Orphanet 652, MedGen C0025267, MeSH D018761, MONDO:0007540, OMIM 131100.

Submission:

Labcorp Genetics (formerly Invitae), Labcorp
Classification: Uncertain significance for Multiple endocrine neoplasia, type 1. Last evaluated: 2022-08-06. Review status: criteria provided, single submitter. Criteria: Invitae Variant Classification Sherloc (09022015). Collection method: clinical testing. Allele origin: germline.
Comment: This sequence change replaces histidine, which is basic and polar, with arginine, which is basic and polar, at codon 272 of the MEN1 protein (p.His272Arg). This variant is not present in population databases (gnomAD no frequency). This variant has not been reported in the literature in individuals affected with MEN1-related conditions. Advanced modeling of protein sequence and biophysical properties (such as structural, functional, and spatial information, amino acid conservation, physicochemical variation, residue mobility, and thermodynamic stability) performed at Invitae indicates that this missense variant is expected to disrupt MEN1 protein function. In summary, the available evidence is currently insufficient to determine the role of this variant in disease. Therefore, it has been classified as a Variant of Uncertain Significance.